The following is an entry in ClinVar:

ClinVar aggregate classification (germline): Likely benign. Review status: criteria provided, multiple submitters, no conflicts (2 of 4 stars). 3 submissions from 3 submitters: Likely benign (3). Last evaluated 2025-05-27.

Conditions:
Lethal congenital glycogen storage disease of heart. Also called: GLYCOGEN STORAGE DISEASE OF HEART; PHOSPHORYLASE KINASE DEFICIENCY OF HEART. Identifiers: Orphanet 439854, MedGen C1849813, MONDO:0009867, OMIM 261740.
Cardiomyopathy (CMYO). Also called: Cardiomyopathies. Identifiers: Orphanet 167848, MedGen C0878544, MONDO:0004994, HP:0001638. Inheritance: Various modes of inheritance.

Allele frequency attached by ClinVar (database versions not stated): gnomAD 0.00001; gnomAD exomes 0.00001; TOPMed 0.00001.
gnomAD v4.1: 9 of 1,612,040 alleles (0.00056%); highest among the groups gnomAD compares: African/African-American, 0.0013%; no homozygotes.

Submissions (3):

Labcorp Genetics (formerly Invitae), Labcorp
Classification: Likely benign for Lethal congenital glycogen storage disease of heart. Last evaluated: 2025-05-27. Review status: criteria provided, single submitter. Criteria: Invitae Variant Classification Sherloc (09022015). Collection method: clinical testing. Allele origin: germline.

Women's Health and Genetics/Laboratory Corporation of America, LabCorp
Classification: Likely benign. Last evaluated: 2023-12-21. Review status: criteria provided, single submitter. Criteria: LabCorp Variant Classification Summary - May 2015. Collection method: clinical testing. Allele origin: germline.
Comment: Variant summary: PRKAG2 c.1234-7C>T alters a non-conserved nucleotide located close to a canonical splice site and therefore could affect mRNA splicing, leading to a significantly altered protein sequence. Consensus agreement among computation tools predict no significant impact on normal splicing. However, these predictions have yet to be confirmed by functional studies. The variant allele was found at a frequency of 5.6e-06 in 1,605,048 control chromosomes (gnomAD v4.0 dataset). The available data on variant occurrences in the general population are insufficient to allow any conclusion about variant significance. To our knowledge, no occurrence of c.1234-7C>T in individuals affected with Cardiomyopathy and no experimental evidence demonstrating its impact on protein function have been reported. Two submitters have cited clinical-significance assessments for this variant to ClinVar after 2014. All submitters classified the variant as likely benign. Based on the evidence outlined above, the variant was classified as likely benign.

Color Diagnostics, LLC DBA Color Health
Classification: Likely benign for Cardiomyopathy. Last evaluated: 2020-07-27. Review status: criteria provided, single submitter. Criteria: ACMG Guidelines, 2015. Collection method: clinical testing. Allele origin: germline.

NM_016203.4(PRKAG2):c.1234-7C>T

Gene: PRKAG2 (protein kinase AMP-activated non-catalytic subunit gamma 2; minus strand). Cytogenetic location: 7q36.1.
Variant type: single nucleotide variant.
Coding change: c.1234-7C>T on transcript NM_016203.4 (MANE Select); 7 bases into the intron before coding-DNA position 1234, C replaced by T.
Molecular consequence: intron variant.
Genome position (GRCh38, 1-based): chr7:151,565,892, G>A on the plus strand (C>T on the coding strand, the complement: PRKAG2 is on the minus strand). VCF-style: chr7-151565892-G-A. GRCh37 (hg19) VCF-style: chr7-151262978-G-A.
Other names: c.1102-7C>T (NM_001040633.2); c.859-7C>T (NM_001304527.2); c.862-7C>T (NM_001363698.2); c.511-7C>T (NM_001304531.2, NM_024429.2).
Identifiers: ClinVar variation 533889 (VCV000533889.12), dbSNP rs1456377814, ClinGen allele CA658797056.
Genomic context (GRCh38, chr7:151,565,892, plus strand): 5'-TCCAAGCTCATCCAGGTTCTGCTTCATGAAGGCAGGCTTTGGCATATCAGACATCTAAAC[G>A]GAAGATAAACGCAAACGTTCTAGACCCAGAACACACTCTTGTCATGTTCAAAGGTCCAGA-3'